The following is an entry in ClinVar:

NC_000017.10:g.(?_29575982)_(29662069_?)dup

Genes: EVI2A (ecotropic viral integration site 2A; minus strand), EVI2B (ecotropic viral integration site 2B; minus strand), NF1 (neurofibromin 1; plus strand), OMG (oligodendrocyte myelin glycoprotein; minus strand). Cytogenetic location: 17q11.2.
Variant type: Duplication.
Identifiers: ClinVar variation 2422737 (VCV002422737.4).

ClinVar aggregate classification (germline): Likely pathogenic (1 of 4 stars; one submission).

Conditions:
Neurofibromatosis, type 1 (NF1). Also called: Peripheral type neurofibromatosis; VON RECKLINGHAUSEN DISEASE; NEUROFIBROMATOSIS, TYPE I, SOMATIC; Neurofibromatosis, type I. Identifiers: Orphanet 636, MedGen C0027831, MONDO:0018975, OMIM 162200. Disease mechanism: loss of function.

Submission:

Labcorp Genetics (formerly Invitae), Labcorp
Classification: Likely pathogenic for Neurofibromatosis, type 1. Last evaluated: 2022-08-16. Review status: criteria provided, single submitter. Criteria: Invitae Variant Classification Sherloc (09022015). Collection method: clinical testing. Allele origin: germline.
Comment: In summary, the currently available evidence indicates that the variant is pathogenic, but additional data are needed to prove that conclusively. Therefore, this variant has been classified as Likely Pathogenic. A similar copy number variant has been observed in individual(s) with clinical features of NF1-related conditions (Invitae). This variant results in a copy number gain of the genomic region encompassing exon(s) 30-39 of the NF1 gene. While the exact position of this variant cannot be determined from the data, sub-genic copy number gains are generally in tandem (PMID: 25640679). This variant is predicted to be out-of-frame, and may result in an absent or disrupted protein product. Loss-of-function variants in NF1 are known to be pathogenic (PMID: 10712197, 23913538).

Literature cited by the submitters: PubMed 25640679; PubMed 10712197; PubMed 23913538.